The following is an entry in ClinVar:

NM_007272.3(CTRC):c.83C>T (p.Ala28Val)

Gene: CTRC (chymotrypsin C; plus strand). Cytogenetic location: 1p36.21.
Variant type: single nucleotide variant.
Coding change: c.83C>T on transcript NM_007272.3 (MANE Select); coding-DNA position 83, C replaced by T.
Protein change: p.Ala28Val; replaces alanine 28 with valine.
Molecular consequence: missense variant.
Genome position (GRCh38, 1-based): chr1:15,440,342, C>T. VCF-style: chr1-15440342-C-T. GRCh37 (hg19) VCF-style: chr1-15766838-C-T.
Other names: short protein forms A28V.
Identifiers: ClinVar variation 1763237 (VCV001763237.2), dbSNP rs910253285, ClinGen allele CA18250407.

ClinVar aggregate classification (germline): Uncertain significance (1 of 4 stars; one submission).

Conditions:
Hereditary pancreatitis (PCTT). Also called: PRSS1-Related Hereditary Pancreatitis; Hereditary chronic pancreatitis. Identifiers: Orphanet 676, MedGen C0238339, MONDO:0008185, OMIM 167800.

Submission:

Ambry Genetics
Classification: Uncertain significance for Hereditary pancreatitis. Last evaluated: 2022-10-20. Review status: criteria provided, single submitter. Criteria: Ambry Variant Classification Scheme 2023. Collection method: clinical testing. Allele origin: germline.
Comment: The p.A28V variant (also known as c.83C>T), located in coding exon 2 of the CTRC gene, results from a C to T substitution at nucleotide position 83. The alanine at codon 28 is replaced by valine, an amino acid with similar properties. This amino acid position is conserved. In addition, this alteration is predicted to be tolerated by in silico analysis. Since supporting evidence is limited at this time, the clinical significance of this alteration remains unclear.